The following is an entry in ClinVar:

ClinVar aggregate classification (germline): Uncertain significance (1 of 4 stars; one submission).

Submission:

Labcorp Genetics (formerly Invitae), Labcorp
Classification: Uncertain significance. Last evaluated: 2023-05-09. Review status: criteria provided, single submitter. Criteria: Invitae Variant Classification Sherloc (09022015). Collection method: clinical testing. Allele origin: germline.
Comment: In summary, the available evidence is currently insufficient to determine the role of this variant in disease. Therefore, it has been classified as a Variant of Uncertain Significance. Advanced modeling of protein sequence and biophysical properties (such as structural, functional, and spatial information, amino acid conservation, physicochemical variation, residue mobility, and thermodynamic stability) performed at Invitae indicates that this missense variant is not expected to disrupt ALPK1 protein function. This variant has not been reported in the literature in individuals affected with ALPK1-related conditions. This variant is not present in population databases (gnomAD no frequency). This sequence change replaces arginine, which is basic and polar, with serine, which is neutral and polar, at codon 605 of the ALPK1 protein (p.Arg605Ser).

NM_025144.4(ALPK1):c.1815G>C (p.Arg605Ser)

Gene: ALPK1 (alpha kinase 1; plus strand). Cytogenetic location: 4q25.
Variant type: single nucleotide variant.
Coding change: c.1815G>C on transcript NM_025144.4 (MANE Select); coding-DNA position 1815, G replaced by C.
Protein change: p.Arg605Ser; replaces arginine 605 with serine.
Molecular consequence: missense variant.
Genome position (GRCh38, 1-based): chr4:112,431,362, G>C. VCF-style: chr4-112431362-G-C. GRCh37 (hg19) VCF-style: chr4-113352518-G-C.
Other names: c.1815G>C, p.Arg605Ser (NM_001102406.2); c.1581G>C, p.Arg527Ser (NM_001253884.2); short protein forms R527S, R605S.
Identifiers: ClinVar variation 2862715 (VCV002862715.3), dbSNP rs1289280568, ClinGen allele CA357896178.